The following is an entry in ClinVar:

NM_002497.4(NEK2):c.424C>A (p.Leu142Met)

Gene: NEK2 (NIMA related kinase 2; minus strand). Cytogenetic location: 1q32.3.
Variant type: single nucleotide variant.
Coding change: c.424C>A on transcript NM_002497.4 (MANE Select); coding-DNA position 424, C replaced by A.
Protein change: p.Leu142Met; replaces leucine 142 with methionine.
Molecular consequence: missense variant.
Genome position (GRCh38, 1-based): chr1:211,673,614, G>T on the plus strand (C>A on the coding strand, the complement: NEK2 is on the minus strand). VCF-style: chr1-211673614-G-T. GRCh37 (hg19) VCF-style: chr1-211846956-G-T.
Other names: c.424C>A, p.Leu142Met (NM_001204182.2, NM_001204183.2); short protein forms L142M.
Identifiers: ClinVar variation 1462654 (VCV001462654.6), dbSNP rs955252425, ClinGen allele CA36825318.

ClinVar aggregate classification (germline): Uncertain significance (1 of 4 stars; one submission).

gnomAD v4.1: 1 of 1,614,180 alleles (0.000062%); no homozygotes.

Submission:

Labcorp Genetics (formerly Invitae), Labcorp
Classification: Uncertain significance. Last evaluated: 2025-08-01. Review status: criteria provided, single submitter. Criteria: Invitae Variant Classification Sherloc (09022015). Collection method: clinical testing. Allele origin: germline.
Comment: This sequence change replaces leucine, which is neutral and non-polar, with methionine, which is neutral and non-polar, at codon 142 of the NEK2 protein (p.Leu142Met). This variant is not present in population databases (gnomAD no frequency). This variant has not been reported in the literature in individuals affected with NEK2-related conditions. ClinVar contains an entry for this variant (Variation ID: 1462654). An algorithm developed to predict the effect of missense changes on protein structure and function (PolyPhen-2) suggests that this variant is likely to be disruptive. In summary, the available evidence is currently insufficient to determine the role of this variant in disease. Therefore, it has been classified as a Variant of Uncertain Significance.